The following is an entry in ClinVar:

ClinVar aggregate classification (germline): Pathogenic (1 of 4 stars; one submission).

Conditions:
Cardiovascular phenotype. Identifiers: MedGen CN230736.

Submission:

Ambry Genetics
Classification: Pathogenic for Cardiovascular phenotype. Last evaluated: 2026-04-16. Review status: criteria provided, single submitter. Criteria: Ambry Variant Classification Scheme 2023. Collection method: clinical testing. Allele origin: germline.
Comment: The c.5602delA pathogenic mutation, located in coding exon 15 of the TNXB gene, results from a deletion of one nucleotide at nucleotide position 5602, causing a translational frameshift with a predicted alternate stop codon (p.T1868Rfs*20). This variant is considered to be rare based on population cohorts in the Genome Aggregation Database (gnomAD). This alteration is expected to result in loss of function by premature protein truncation or nonsense-mediated mRNA decay. As such, this alteration is interpreted as a disease-causing mutation.

NM_001365276.2(TNXB):c.5602del (p.Thr1868fs)

Gene: TNXB (tenascin XB; minus strand). Cytogenetic location: 6p21.33.
Variant type: Deletion.
Coding change: c.5602del on transcript NM_001365276.2 (MANE Select); coding-DNA position 5602, one base deleted (A; older notation c.5602delA).
Protein change: p.Thr1868fs; shifts the reading frame from threonine 1868.
Molecular consequence: frameshift variant.
Genome position (GRCh38, 1-based): chr6:32,069,122, T deleted on the plus strand (A on the coding strand, the reverse complement: TNXB is on the minus strand); the first of 3 consecutive T bases (chr6:32,069,122-32,069,124); deleting any one gives the same sequence. VCF-style (leftmost placement, unchanged base first): chr6-32069121-GT-G. GRCh37 (hg19) VCF-style: chr6-32036898-GT-G.
Other names: c.6343del, p.Thr2115fs (NM_001428335.1); c.5602del, p.Thr1868fs (NM_019105.8); short protein forms T1868fs, T2115fs.
Identifiers: ClinVar variation 4826807 (VCV004826807.2).